The following is an entry in ClinVar:

ClinVar aggregate classification (germline): Uncertain significance (1 of 4 stars; one submission).

Conditions:
Developmental and epileptic encephalopathy. Identifiers: MedGen C5779964, MONDO:0100620.

Submission:

Labcorp Genetics (formerly Invitae), Labcorp
Classification: Uncertain significance for Early infantile epileptic encephalopathy with suppression bursts. Last evaluated: 2018-11-09. Review status: criteria provided, single submitter. Criteria: Invitae Variant Classification Sherloc (09022015). Collection method: clinical testing. Allele origin: germline.
Comment: This sequence change replaces isoleucine with valine at codon 1756 of the SCN8A protein (p.Ile1756Val). The isoleucine residue is highly conserved and there is a small physicochemical difference between isoleucine and valine. This variant is not present in population databases (ExAC no frequency). This variant has not been reported in the literature in individuals with SCN8A-related disease. Algorithms developed to predict the effect of missense changes on protein structure and function (SIFT, PolyPhen-2, Align-GVGD) all suggest that this variant is likely to be tolerated, but these predictions have not been confirmed by published functional studies and their clinical significance is uncertain. Algorithms developed to predict the effect of sequence changes on RNA splicing suggest that this variant may create or strengthen a splice site, but this prediction has not been confirmed by published transcriptional studies. In summary, the available evidence is currently insufficient to determine the role of this variant in disease. Therefore, it has been classified as a Variant of Uncertain Significance.

NM_001330260.2(SCN8A):c.5266A>G (p.Ile1756Val)

Gene: SCN8A (sodium voltage-gated channel alpha subunit 8; plus strand). Cytogenetic location: 12q13.13.
Variant type: single nucleotide variant.
Coding change: c.5266A>G on transcript NM_001330260.2 (MANE Select); coding-DNA position 5266, A replaced by G.
Protein change: p.Ile1756Val; replaces isoleucine 1756 with valine.
Molecular consequence: missense variant.
Genome position (GRCh38, 1-based): chr12:51,806,752, A>G. VCF-style: chr12-51806752-A-G. GRCh37 (hg19) VCF-style: chr12-52200536-A-G.
Other names: c.5143A>G, p.Ile1715Val (NM_001177984.3, NM_001369788.1); c.5266A>G, p.Ile1756Val (NM_014191.4); short protein forms I1715V, I1756V.
Identifiers: ClinVar variation 658068 (VCV000658068.2), dbSNP rs1592174549, ClinGen allele CA384885066.
Genomic context (GRCh38, chr12:51,806,752, plus strand): 5'-TGTGGGAACCCCTCAGTGGGCATCTTCTTCTTTGTAAGCTACATCATCATCTCTTTCCTA[A>G]TTGTCGTGAACATGTACATTGCCATCATCCTGGAGAACTTCAGTGTAGCCACAGAGGAAA-3'
Protein context (NP_001317189.1, residues 1746-1766): FVSYIIISFL[Ile1756Val]VVNMYIAIIL